The following is an entry in ClinVar:

ClinVar aggregate classification (germline): Uncertain significance (1 of 4 stars; one submission).

Conditions:
Fanconi anemia complementation group J. Also called: BRIP1-Related Fanconi Anemia. Identifiers: Orphanet 84, MedGen C1836860, MONDO:0012187, OMIM 609054.
Familial cancer of breast. Also called: BREAST CANCER, FAMILIAL; Hereditary breast cancer; hereditary breast carcinoma. Identifiers: Orphanet 227535, MedGen C0346153, MONDO:0016419, OMIM 114480. Disease mechanism: loss of function.

Submission:

Labcorp Genetics (formerly Invitae), Labcorp
Classification: Uncertain significance for Familial cancer of breast; Fanconi anemia complementation group J. Last evaluated: 2023-05-25. Review status: criteria provided, single submitter. Criteria: Invitae Variant Classification Sherloc (09022015). Collection method: clinical testing. Allele origin: germline.
Comment: This sequence change replaces alanine, which is neutral and non-polar, with serine, which is neutral and polar, at codon 144 of the BRIP1 protein (p.Ala144Ser). This variant is not present in population databases (gnomAD no frequency). This variant has not been reported in the literature in individuals affected with BRIP1-related conditions. Advanced modeling of protein sequence and biophysical properties (such as structural, functional, and spatial information, amino acid conservation, physicochemical variation, residue mobility, and thermodynamic stability) performed at Invitae indicates that this missense variant is not expected to disrupt BRIP1 protein function. In summary, the available evidence is currently insufficient to determine the role of this variant in disease. Therefore, it has been classified as a Variant of Uncertain Significance.

NM_032043.3(BRIP1):c.430G>T (p.Ala144Ser)

Gene: BRIP1 (BRCA1 interacting DNA helicase 1; minus strand). Cytogenetic location: 17q23.2.
Variant type: single nucleotide variant.
Coding change: c.430G>T on transcript NM_032043.3 (MANE Select); coding-DNA position 430, G replaced by T.
Protein change: p.Ala144Ser; replaces alanine 144 with serine.
Molecular consequence: missense variant.
Genome position (GRCh38, 1-based): chr17:61,849,206, C>A on the plus strand (G>T on the coding strand, the complement: BRIP1 is on the minus strand). VCF-style: chr17-61849206-C-A. GRCh37 (hg19) VCF-style: chr17-59926567-C-A.
Other names: short protein forms A144S.
Identifiers: ClinVar variation 2945515 (VCV002945515.3), dbSNP rs116952709, ClinGen allele CA400484513.
Genomic context (GRCh38, chr17:61,849,206, plus strand): 5'-AGGGTCGAATTCTTTTCTTCTCTACTTGAAAATCATCATTTTCATCTCTGTATATGGATG[C>A]CTGTTTCTTAGCAGATAACTTTGCAGCCAGAGTGGTTTTTTCAGGGGAGTCTTATATAAG-3'
Protein context (NP_114432.2, residues 134-154): LAAKLSAKKQ[Ala144Ser]SIYRDENDDF